The following is an entry in ClinVar:

ClinVar aggregate classification (germline): Pathogenic (1 of 4 stars; one submission).
ClinVar aggregate classification (oncogenicity): Likely oncogenic (0 of 4 stars; one submission).

Conditions:
Familial adenomatous polyposis 1 (FAP1). Also called: FAMILIAL ADENOMATOUS POLYPOSIS 1, ATTENUATED; POLYPOSIS, ADENOMATOUS INTESTINAL. Identifiers: MedGen C2713442, MONDO:0021056, OMIM 175100. Disease mechanism: loss of function.
Colorectal cancer. Also called: Colorectal cancer, somatic; Malignant Colorectal Neoplasm. Identifiers: MedGen C0346629, MONDO:0005575, OMIM 114500.

Submissions (2):

Myriad Genetics, Inc.
Classification: Pathogenic for Familial adenomatous polyposis 1. Last evaluated: 2023-05-02. Review status: criteria provided, single submitter. Criteria: Myriad Autosomal Dominant, Autosomal Recessive and X-Linked Classification Criteria (2023). Collection method: clinical testing. Allele origin: unknown.
Comment: This variant is considered pathogenic. This variant creates a frameshift predicted to result in premature protein truncation.

Genome Sciences Centre, British Columbia Cancer Agency
Classification: Likely oncogenic for Colorectal cancer. Last evaluated: 2024-11-13. Review status: no assertion criteria provided. Collection method: research. Allele origin: somatic. Affected: yes. Observed: 1 variant allele.

NM_000038.6(APC):c.1682del (p.Lys561fs)

Gene: APC (APC regulator of Wnt signaling pathway; plus strand). Cytogenetic location: 5q22.2.
Variant type: Deletion.
Coding change: c.1682del on transcript NM_000038.6 (MANE Select); coding-DNA position 1682, one base deleted (A; older notation c.1682delA).
Protein change: p.Lys561fs; shifts the reading frame from lysine 561.
Molecular consequence: frameshift variant.
Genome position (GRCh38, 1-based): chr5:112,828,911, A deleted; the last of 5 consecutive A bases (chr5:112,828,907-112,828,911); deleting any one gives the same sequence. VCF-style (leftmost placement, unchanged base first): chr5-112828906-TA-T. GRCh37 (hg19) VCF-style: chr5-112164603-TA-T.
Other names: c.1682del, p.Lys561fs (NM_001127510.3, NM_001354895.2); c.1628del, p.Lys543fs (NM_001127511.3); c.1736del, p.Lys579fs (NM_001354896.2); c.1712del, p.Lys571fs (NM_001354897.2); c.1607del, p.Lys536fs (NM_001354898.2); c.1598del, p.Lys533fs (NM_001354899.2); c.1559del, p.Lys520fs (NM_001354900.2); c.1505del, p.Lys502fs (NM_001354901.2); and 5 more; short protein forms K278fs, K460fs, K502fs, K543fs, K561fs, K571fs, K401fs, K470fs.
Identifiers: ClinVar variation 495327 (VCV000495327.5), dbSNP rs1554082118, ClinGen allele CA658683416.
Genomic context (GRCh38, chr5:112,828,906, plus strand): 5'-TAATTTGCAGGTTATTGCGAGTGTTTTGAGGAATTTGTCTTGGCGAGCAGATGTAAATAG[TA>T]AAAAGACGTTGCGAGAAGTTGGAAGTGTGAAAGCATTGATGGAATGTGCTTTAGAAGTTA-3'